The following is an entry in ClinVar:

NM_016333.4(SRRM2):c.1679G>A (p.Gly560Glu)

Gene: SRRM2 (serine/arginine repetitive matrix 2; plus strand). Cytogenetic location: 16p13.3.
Variant type: single nucleotide variant.
Coding change: c.1679G>A on transcript NM_016333.4 (MANE Select); coding-DNA position 1679, G replaced by A.
Protein change: p.Gly560Glu; replaces glycine 560 with glutamic acid.
Molecular consequence: missense variant.
Genome position (GRCh38, 1-based): chr16:2,762,207, G>A. VCF-style: chr16-2762207-G-A. GRCh37 (hg19) VCF-style: chr16-2812208-G-A.
Other names: short protein forms G560E.
Identifiers: ClinVar variation 2871345 (VCV002871345.3), dbSNP rs939954907, ClinGen allele CA276872790.
Genomic context (GRCh38, chr16:2,762,207, plus strand): 5'-CAGGCTGGTCTAGGAGCAGAAATACCCAGAGAAGAGGCAGGTCTAGGTCAGCAAGGCGAG[G>A]GAGGTCCCACTCTAGATCCCCAGCCACTAGGGGTAGATCTCGTTCTAGAACACCAGCCCG-3'
Protein context (NP_057417.3, residues 550-570): RRGRSRSARR[Gly560Glu]RSHSRSPATR

ClinVar aggregate classification (germline): Uncertain significance (1 of 4 stars; one submission).

Allele frequency attached by ClinVar (database versions not stated): TOPMed 0.00001.
gnomAD v4.1: 1 of 1,614,124 alleles (0.000062%); highest among the groups gnomAD compares: African/African-American, 0.0013%; no homozygotes.

Submission:

Labcorp Genetics (formerly Invitae), Labcorp
Classification: Uncertain significance. Last evaluated: 2022-10-31. Review status: criteria provided, single submitter. Criteria: Invitae Variant Classification Sherloc (09022015). Collection method: clinical testing. Allele origin: germline.
Comment: In summary, the available evidence is currently insufficient to determine the role of this variant in disease. Therefore, it has been classified as a Variant of Uncertain Significance. Algorithms developed to predict the effect of missense changes on protein structure and function are either unavailable or do not agree on the potential impact of this missense change (SIFT: "Deleterious"; PolyPhen-2: "Not Available"; Align-GVGD: "Class C65"). This variant has not been reported in the literature in individuals affected with SRRM2-related conditions. This variant is not present in population databases (gnomAD no frequency). This sequence change replaces glycine, which is neutral and non-polar, with glutamic acid, which is acidic and polar, at codon 560 of the SRRM2 protein (p.Gly560Glu).